The following is an entry in ClinVar:

NM_005676.5(RBM10):c.437G>T (p.Arg146Leu)

Gene: RBM10 (RNA binding motif protein 10; plus strand). Cytogenetic location: Xp11.3.
Variant type: single nucleotide variant.
Coding change: c.437G>T on transcript NM_005676.5 (MANE Select); coding-DNA position 437, G replaced by T.
Protein change: p.Arg146Leu; replaces arginine 146 with leucine.
Molecular consequence: missense variant.
Genome position (GRCh38, 1-based): chrX:47,173,132, G>T. VCF-style: chrX-47173132-G-T. GRCh37 (hg19) VCF-style: chrX-47032531-G-T.
Other names: c.206G>T, p.Arg69Leu (NM_001204466.2, NM_152856.3); c.437G>T, p.Arg146Leu (NM_001204467.2); c.632G>T, p.Arg211Leu (NM_001204468.2); short protein forms R146L, R211L, R69L.
Identifiers: ClinVar variation 3431113 (VCV003431113.2).

ClinVar aggregate classification (germline): Uncertain significance. Review status: criteria provided, multiple submitters, no conflicts (2 of 4 stars). 2 submissions from 2 submitters: Uncertain significance (2). Last evaluated 2025-06-15.

Conditions:
Inborn genetic diseases. Identifiers: MedGen C0950123, MeSH D030342.

gnomAD v4.1: 1 of 1,210,972 alleles (0.000083%); highest among the groups gnomAD compares: Admixed American, 0.0022%; no homozygotes.

Submissions (2):

Labcorp Genetics (formerly Invitae), Labcorp
Classification: Uncertain significance. Last evaluated: 2025-06-15. Review status: criteria provided, single submitter. Criteria: Invitae Variant Classification Sherloc (09022015). Collection method: clinical testing. Allele origin: germline.
Comment: This sequence change replaces arginine, which is basic and polar, with leucine, which is neutral and non-polar, at codon 146 of the RBM10 protein (p.Arg146Leu). This variant is not present in population databases (gnomAD no frequency). This variant has not been reported in the literature in individuals affected with RBM10-related conditions. ClinVar contains an entry for this variant (Variation ID: 3431113). Invitae Evidence Modeling of protein sequence and biophysical properties (such as structural, functional, and spatial information, amino acid conservation, physicochemical variation, residue mobility, and thermodynamic stability) indicates that this missense variant is not expected to disrupt RBM10 protein function with a negative predictive value of 80%. In summary, the available evidence is currently insufficient to determine the role of this variant in disease. Therefore, it has been classified as a Variant of Uncertain Significance.

Ambry Genetics
Classification: Uncertain significance for Inborn genetic diseases. Last evaluated: 2024-12-04. Review status: criteria provided, single submitter. Criteria: Ambry Variant Classification Scheme 2023. Collection method: clinical testing. Allele origin: germline.